The following is an entry in ClinVar:

NM_001010867.4(IBA57):c.851T>C (p.Phe284Ser)

Gene: IBA57 (iron-sulfur cluster assembly factor IBA57; plus strand). Cytogenetic location: 1q42.13.
Variant type: single nucleotide variant.
Coding change: c.851T>C on transcript NM_001010867.4 (MANE Select); coding-DNA position 851, T replaced by C.
Protein change: p.Phe284Ser; replaces phenylalanine 284 with serine.
Molecular consequence: missense variant.
Genome position (GRCh38, 1-based): chr1:228,175,293, T>C. VCF-style: chr1-228175293-T-C. GRCh37 (hg19) VCF-style: chr1-228362994-T-C.
Other names: c.272T>C, p.Phe91Ser (NM_001310327.2); short protein forms F284S, F91S.
Identifiers: ClinVar variation 2186221 (VCV002186221.3), dbSNP rs150078150, ClinGen allele CA1431270.
Genomic context (GRCh38, chr1:228,175,293, plus strand): 5'-AGCTGACGGCCCGCACCCACCACATGGGCGTCATCCGCAAGCGCCTCTTCCCTGTCCGGT[T>C]CTTGGACCCCCTTCCCACCAGTGGCATCACCCCTGGTGCCACGGTGCTGACTGCCTCAGG-3'
Protein context (NP_001010867.1, residues 274-294): VIRKRLFPVR[Phe284Ser]LDPLPTSGIT

ClinVar aggregate classification (germline): Uncertain significance. Review status: criteria provided, multiple submitters, no conflicts (2 of 4 stars). 2 submissions from 2 submitters: Uncertain significance (2). Last evaluated 2025-07-07.

Conditions:
Multiple mitochondrial dysfunctions syndrome 3 (MMDS3). Identifiers: Orphanet 363424, MedGen C3809165, MONDO:0014132, OMIM 615330.
Hereditary spastic paraplegia 74. Also called: Spastic paraplegia 74, autosomal recessive. Identifiers: Orphanet 468661, MedGen C5568837, MONDO:0014644, OMIM 616451.

Allele frequency attached by ClinVar (database versions not stated): ExAC 0.00002; TOPMed 0.00003; ESP Exome Variant Server 0.00015; gnomAD exomes below 0.00001; gnomAD 0.00001.
gnomAD v4.1: 3 of 1,612,748 alleles (0.00019%); highest among the groups gnomAD compares: African/African-American, 0.004%; no homozygotes.

Submissions (2):

Dasa
Classification: Uncertain significance. Last evaluated: 2025-07-07. Review status: criteria provided, single submitter. Criteria: DASA Assertion Criteria. Collection method: clinical testing. Allele origin: germline.
Comment: NM_001010867.4(IBA57):c.851T>C (p.Phe284Ser) is a missense variant that results in the substitution of phenylalanine with serine. This variant is rare in population databases. Computational prediction algorithms are consistent with a benign effect. The currently available literature and clinical evidence are not sufficient to establish a definitive association between this variant and the reported condition. Therefore, this variant is classified as a variant of uncertain significance.

Labcorp Genetics (formerly Invitae), Labcorp
Classification: Uncertain significance for Multiple mitochondrial dysfunctions syndrome 3; Hereditary spastic paraplegia 74. Last evaluated: 2022-06-14. Review status: criteria provided, single submitter. Criteria: Invitae Variant Classification Sherloc (09022015). Collection method: clinical testing. Allele origin: germline.
Comment: This sequence change replaces phenylalanine, which is neutral and non-polar, with serine, which is neutral and polar, at codon 284 of the IBA57 protein (p.Phe284Ser). This variant is present in population databases (rs150078150, gnomAD 0.007%). This variant has not been reported in the literature in individuals affected with IBA57-related conditions. Algorithms developed to predict the effect of missense changes on protein structure and function are either unavailable or do not agree on the potential impact of this missense change (SIFT: "Deleterious"; PolyPhen-2: "Possibly Damaging"; Align-GVGD: "Class C0"). In summary, the available evidence is currently insufficient to determine the role of this variant in disease. Therefore, it has been classified as a Variant of Uncertain Significance.